The following is an entry in ClinVar:

ClinVar aggregate classification (germline): Conflicting classifications of pathogenicity. Review status: criteria provided, conflicting classifications (1 of 4 stars). 5 submissions from 5 submitters: Uncertain significance (4); Benign (1). Last evaluated 2025-06-25.

Conditions:
Hereditary breast ovarian cancer syndrome. Also called: Hereditary breast and ovarian cancer syndrome; BRCA1- and BRCA2-Associated Hereditary Breast and Ovarian Cancer; Hereditary breast and/or ovarian cancer syndrome; Hereditary breast and ovarian cancer syndrome (HBOC); Hereditary breast and ovarian cancer; Breast and ovarian cancer. Identifiers: Orphanet 145, MedGen C0677776, MeSH D061325, MONDO:0003582. Disease mechanism: loss of function.
Breast-ovarian cancer, familial, susceptibility to, 2 (BROVCA2). Also called: BRCA2 Hereditary Breast and Ovarian Cancer. Identifiers: Orphanet 145, MedGen C2675520, MONDO:0012933, OMIM 612555. Disease mechanism: loss of function.
Hereditary cancer-predisposing syndrome. Also called: Hereditary neoplastic syndrome; Neoplastic Syndromes, Hereditary; Hereditary Cancer Syndrome; Tumor predisposition. Identifiers: Orphanet 140162, MedGen C0027672, MeSH D009386, MONDO:0015356.

Submissions (5):

Ambry Genetics
Classification: Uncertain significance for Hereditary cancer-predisposing syndrome. Last evaluated: 2025-06-25. Review status: criteria provided, single submitter. Criteria: Ambry Variant Classification Scheme 2023. Collection method: clinical testing. Allele origin: germline.
Comment: The p.K2339E variant (also known as c.7015A>G), located in coding exon 13 of the BRCA2 gene, results from an A to G substitution at nucleotide position 7015. The lysine at codon 2339 is replaced by glutamic acid, an amino acid with similar properties. This amino acid position is not well conserved in available vertebrate species. In addition, this alteration is predicted to be tolerated by in silico analysis. Since supporting evidence is limited at this time, the clinical significance of this alteration remains unclear.

Dasa
Classification: Uncertain significance for Breast-ovarian cancer, familial, susceptibility to, 2. Last evaluated: 2025-01-05. Review status: criteria provided, single submitter. Criteria: DASA Assertion Criteria. Collection method: clinical testing. Allele origin: germline.
Comment: NM_000059.4(BRCA2):c.7015A>G (p.Lys2339Glu) is a missense variant that results in the substitution of lysine with glutamic acid. This variant is absent from population databases. The currently available literature and clinical evidence are not sufficient to establish a definitive association between this variant and the reported condition. Therefore, this variant is classified as a variant of uncertain significance.

Color Diagnostics, LLC DBA Color Health
Classification: Uncertain significance for Hereditary cancer-predisposing syndrome. Last evaluated: 2023-01-23. Review status: criteria provided, single submitter. Criteria: ACMG Guidelines, 2015. Collection method: clinical testing. Allele origin: germline.
Comment: This missense variant replaces lysine with glutamic acid at codon 2339 of the BRCA2 protein. Computational prediction suggests that this variant may not impact protein structure and function (internally defined REVEL score threshold <= 0.5, PMID: 27666373). To our knowledge, functional studies have not been reported for this variant. This variant has not been reported in individuals affected with BRCA2-related disorders in the literature. This variant has not been identified in the general population by the Genome Aggregation Database (gnomAD). The available evidence is insufficient to determine the role of this variant in disease conclusively. Therefore, this variant is classified as a Variant of Uncertain Significance.

Mendelics
Classification: Benign. Last evaluated: 2022-05-04. Review status: criteria provided, single submitter. Criteria: Mendelics Assertion Criteria 2019. Collection method: clinical testing. Allele origin: germline.

Labcorp Genetics (formerly Invitae), Labcorp
Classification: Uncertain significance for Hereditary breast ovarian cancer syndrome. Last evaluated: 2020-05-03. Review status: criteria provided, single submitter. Criteria: Invitae Variant Classification Sherloc (09022015). Collection method: clinical testing. Allele origin: germline.
Comment: In summary, the available evidence is currently insufficient to determine the role of this variant in disease. Therefore, it has been classified as a Variant of Uncertain Significance. Algorithms developed to predict the effect of missense changes on protein structure and function output the following: SIFT: "Tolerated"; PolyPhen-2: "Benign"; Align-GVGD: "Class C0". The glutamic acid amino acid residue is found in multiple mammalian species, suggesting that this missense change does not adversely affect protein function. These predictions have not been confirmed by published functional studies and their clinical significance is uncertain. This variant has been reported in individuals in the Leiden Open-source Variation Database (PMID: 21520333). This variant is not present in population databases (ExAC no frequency). This sequence change replaces lysine with glutamic acid at codon 2339 of the BRCA2 protein (p.Lys2339Glu). The lysine residue is weakly conserved and there is a small physicochemical difference between lysine and glutamic acid.

Literature cited by the submitters: PubMed 21520333 (cited by Labcorp Genetics (formerly Invitae), Labcorp).

NM_000059.4(BRCA2):c.7015A>G (p.Lys2339Glu)

Gene: BRCA2 (BRCA2 DNA repair associated; plus strand). Cytogenetic location: 13q13.1.
Variant type: single nucleotide variant.
Coding change: c.7015A>G on transcript NM_000059.4 (MANE Select); coding-DNA position 7015, A replaced by G.
Protein change: p.Lys2339Glu; replaces lysine 2339 with glutamic acid.
Molecular consequence: missense variant.
Genome position (GRCh38, 1-based): chr13:32,354,868, A>G. VCF-style: chr13-32354868-A-G. GRCh37 (hg19) VCF-style: chr13-32929005-A-G.
Other names: short protein forms K2339E.
Identifiers: ClinVar variation 918311 (VCV000918311.19), dbSNP rs2072676209, ClinGen allele CA387794087.